The following is an entry in ClinVar:

NM_000059.4(BRCA2):c.6509A>C (p.Lys2170Thr)

Gene: BRCA2 (BRCA2 DNA repair associated; plus strand). Cytogenetic location: 13q13.1.
Variant type: single nucleotide variant.
Coding change: c.6509A>C on transcript NM_000059.4 (MANE Select); coding-DNA position 6509, A replaced by C.
Protein change: p.Lys2170Thr; replaces lysine 2170 with threonine.
Molecular consequence: missense variant. On other transcripts: non-coding transcript variant (1), intron variant (2).
Genome position (GRCh38, 1-based): chr13:32,340,864, A>C. VCF-style: chr13-32340864-A-C. GRCh37 (hg19) VCF-style: chr13-32915001-A-C.
Other names: c.6509A>C, p.Lys2170Thr (NM_001406719.1, NM_001406720.1); c.1910-3694A>C (NM_001406721.1); c.425-3694A>C (NM_001406722.1); short protein forms K2170T.
Identifiers: ClinVar variation 2831209 (VCV002831209.3), dbSNP rs1252272917, ClinGen allele CA387789572.

ClinVar aggregate classification (germline): Uncertain significance (1 of 4 stars; one submission).

Conditions:
Hereditary breast ovarian cancer syndrome. Also called: Hereditary breast and ovarian cancer; BRCA1- and BRCA2-Associated Hereditary Breast and Ovarian Cancer; Hereditary breast and ovarian cancer syndrome; Hereditary breast and ovarian cancer syndrome (HBOC); Breast and ovarian cancer; Hereditary breast and/or ovarian cancer syndrome. Identifiers: Orphanet 145, MedGen C0677776, MeSH D061325, MONDO:0003582. Disease mechanism: loss of function.

Submission:

Labcorp Genetics (formerly Invitae), Labcorp
Classification: Uncertain significance for Hereditary breast ovarian cancer syndrome. Last evaluated: 2025-04-18. Review status: criteria provided, single submitter. Criteria: Invitae Variant Classification Sherloc (09022015). Collection method: clinical testing. Allele origin: germline.
Comment: This sequence change replaces lysine, which is basic and polar, with threonine, which is neutral and polar, at codon 2170 of the BRCA2 protein (p.Lys2170Thr). This variant is not present in population databases (gnomAD no frequency). This variant has not been reported in the literature in individuals affected with BRCA2-related conditions. ClinVar contains an entry for this variant (Variation ID: 2831209). Invitae Evidence Modeling of protein sequence and biophysical properties (such as structural, functional, and spatial information, amino acid conservation, physicochemical variation, residue mobility, and thermodynamic stability) indicates that this missense variant is not expected to disrupt BRCA2 protein function with a negative predictive value of 95%. In summary, the available evidence is currently insufficient to determine the role of this variant in disease. Therefore, it has been classified as a Variant of Uncertain Significance.